The following is an entry in ClinVar:

ClinVar aggregate classification (germline): Uncertain significance (1 of 4 stars; one submission).

Conditions:
Combined immunodeficiency with skin granulomas. Identifiers: Orphanet 157949, MedGen C2673536, MONDO:0009306, OMIM 233650.
Severe combined immunodeficiency, autosomal recessive, T cell-negative, B cell-negative, NK cell-positive. Also called: SCID, AR, T-cell negative, B-cell negative, NK cell-positive; SCID, T CELL-NEGATIVE, B CELL-NEGATIVE, NK CELL-POSITIVE; Severe combined immunodeficiency due to complete RAG1/2 deficiency. Identifiers: Orphanet 331206, MedGen C1832322, MONDO:0011086, OMIM 601457.

Allele frequency attached by ClinVar (database versions not stated): gnomAD exomes below 0.00001; gnomAD 0.00001; TOPMed 0.00001; ExAC 0.00002.
gnomAD v4.1: 3 of 1,614,000 alleles (0.00019%); highest among the groups gnomAD compares: African/African-American, 0.0027%; no homozygotes.

Submission:

Labcorp Genetics (formerly Invitae), Labcorp
Classification: Uncertain significance for Combined immunodeficiency with skin granulomas; Severe combined immunodeficiency, autosomal recessive, T cell-negative, B cell-negative, NK cell-positive. Last evaluated: 2023-07-17. Review status: criteria provided, single submitter. Criteria: Invitae Variant Classification Sherloc (09022015). Collection method: clinical testing. Allele origin: germline.
Comment: In summary, the available evidence is currently insufficient to determine the role of this variant in disease. Therefore, it has been classified as a Variant of Uncertain Significance. Advanced modeling of protein sequence and biophysical properties (such as structural, functional, and spatial information, amino acid conservation, physicochemical variation, residue mobility, and thermodynamic stability) performed at Invitae indicates that this missense variant is not expected to disrupt RAG1 protein function. ClinVar contains an entry for this variant (Variation ID: 2116610). This sequence change replaces aspartic acid, which is acidic and polar, with glycine, which is neutral and non-polar, at codon 1033 of the RAG1 protein (p.Asp1033Gly). This variant is present in population databases (rs766420242, gnomAD 0.008%). This variant has not been reported in the literature in individuals affected with RAG1-related conditions.

NM_000448.3(RAG1):c.3098A>G (p.Asp1033Gly)

Gene: RAG1 (recombination activating 1; plus strand). Cytogenetic location: 11p12.
Variant type: single nucleotide variant.
Coding change: c.3098A>G on transcript NM_000448.3 (MANE Select); coding-DNA position 3098, A replaced by G.
Protein change: p.Asp1033Gly; replaces aspartic acid 1033 with glycine.
Molecular consequence: missense variant.
Genome position (GRCh38, 1-based): chr11:36,576,402, A>G. VCF-style: chr11-36576402-A-G. GRCh37 (hg19) VCF-style: chr11-36597952-A-G.
Other names: c.3098A>G, p.Asp1033Gly (NM_001377277.1, NM_001377278.1, NM_001377279.1 and 1 more transcripts); short protein forms D1033G.
Identifiers: ClinVar variation 2116610 (VCV002116610.4), dbSNP rs766420242, ClinGen allele CA5950370.